The following is an entry in ClinVar:

ClinVar aggregate classification (germline): Benign. Review status: criteria provided, multiple submitters, no conflicts (2 of 4 stars). 4 submissions from 4 submitters: Benign (4). Last evaluated 2025-12-23.

Allele frequency attached by ClinVar (database versions not stated): gnomAD exomes 0.00089 and 0.00213; ExAC 0.00349; 1000 Genomes Project 30x 0.00718; 1000 Genomes Project 0.00739; gnomAD 0.00884 and 0.00947; TOPMed 0.00971; ESP Exome Variant Server 0.00985.

Submissions (4):

Labcorp Genetics (formerly Invitae), Labcorp
Classification: Benign. Last evaluated: 2025-12-23. Review status: criteria provided, single submitter. Criteria: Invitae Variant Classification Sherloc (09022015). Collection method: clinical testing. Allele origin: germline.

Mayo Clinic Laboratories, Mayo Clinic
Classification: Benign. Last evaluated: 2024-12-30. Review status: criteria provided, single submitter. Criteria: ACMG Guidelines, 2015. Collection method: clinical testing. Allele origin: germline. Observed: 11 variant alleles.
Comment: BA1, BP4, BP7

GeneDx
Classification: Benign. Last evaluated: 2014-01-09. Review status: criteria provided, single submitter. Criteria: GeneDx Variant Classification (06012015). Collection method: clinical testing. Allele origin: germline. Affected: yes.
Comment: This variant is considered likely benign or benign based on one or more of the following criteria: it is a conservative change, it occurs at a poorly conserved position in the protein, it is predicted to be benign by multiple in silico algorithms, and/or has population frequency not consistent with disease.

Breakthrough Genomics
Classification: Benign. Review status: criteria provided, single submitter. Criteria: ACMG Guidelines, 2015. Collection method: not provided. Allele origin: germline. Inheritance: Autosomal recessive inheritance. Affected: yes.

NM_139242.4(MTFMT):c.210-6A>C

Gene: MTFMT (mitochondrial methionyl-tRNA formyltransferase; minus strand). Cytogenetic location: 15q22.31.
Variant type: single nucleotide variant.
Coding change: c.210-6A>C on transcript NM_139242.4 (MANE Select); 6 bases into the intron before coding-DNA position 210, A replaced by C.
Molecular consequence: intron variant.
Genome position (GRCh38, 1-based): chr15:65,027,046, T>G on the plus strand (A>C on the coding strand, the complement: MTFMT is on the minus strand). VCF-style: chr15-65027046-T-G. GRCh37 (hg19) VCF-style: chr15-65319384-T-G.
Other names: p.?.
Identifiers: ClinVar variation 138267 (VCV000138267.14), dbSNP rs144496904, ClinGen allele CA292177.
Genomic context (GRCh38, chr15:65,027,046, plus strand): 5'-GGAAGGCATTGTGACCACCTCCAGTTTGTCGATTAACTCTTCTTCTTTGTTTTCCCTAAA[T>G]TAGATAGGAAGAAAAATGTGACAGTGTTAAGGCAATGACTCAAAGCTAAAACTACTTCAC-3'